The following is an entry in ClinVar:

ClinVar aggregate classification (germline): Uncertain significance (1 of 4 stars; one submission).

Conditions:
Hereditary sensory neuropathy-deafness-dementia syndrome. Also called: NEUROPATHY, HEREDITARY SENSORY, WITH HEARING LOSS AND DEMENTIA; Hereditary Sensory and Autonomic Neuropathy Type 1E (HSAN1E); Hereditary sensory neuropathy type IE; HSN IE. Identifiers: Orphanet 456318, MedGen C3279885, MONDO:0013584, OMIM 614116.

Allele frequency attached by ClinVar (database versions not stated): gnomAD exomes below 0.00001.
gnomAD v4.1: 2 of 1,614,108 alleles (0.00012%); highest among the groups gnomAD compares: Non-Finnish European, 0.00017%; no homozygotes.

Submission:

Labcorp Genetics (formerly Invitae), Labcorp
Classification: Uncertain significance for Hereditary sensory neuropathy-deafness-dementia syndrome. Last evaluated: 2023-11-19. Review status: criteria provided, single submitter. Criteria: Invitae Variant Classification Sherloc (09022015). Collection method: clinical testing. Allele origin: germline.
Comment: This sequence change replaces lysine, which is basic and polar, with arginine, which is basic and polar, at codon 214 of the DNMT1 protein (p.Lys214Arg). This variant is not present in population databases (gnomAD no frequency). This variant has not been reported in the literature in individuals affected with DNMT1-related conditions. Algorithms developed to predict the effect of missense changes on protein structure and function output the following: SIFT: "Not Available"; PolyPhen-2: "Benign"; Align-GVGD: "Not Available". The arginine amino acid residue is found in multiple mammalian species, which suggests that this missense change does not adversely affect protein function. In summary, the available evidence is currently insufficient to determine the role of this variant in disease. Therefore, it has been classified as a Variant of Uncertain Significance.

NM_001130823.3(DNMT1):c.641A>G (p.Lys214Arg)

Gene: DNMT1 (DNA methyltransferase 1; minus strand). Cytogenetic location: 19p13.2.
Variant type: single nucleotide variant.
Coding change: c.641A>G on transcript NM_001130823.3 (MANE Select); coding-DNA position 641, A replaced by G.
Protein change: p.Lys214Arg; replaces lysine 214 with arginine.
Molecular consequence: missense variant.
Genome position (GRCh38, 1-based): chr19:10,175,547, T>C on the plus strand (A>G on the coding strand, the complement: DNMT1 is on the minus strand). VCF-style: chr19-10175547-T-C. GRCh37 (hg19) VCF-style: chr19-10286223-T-C.
Other names: c.593A>G, p.Lys198Arg (NM_001318730.2, NM_001379.4); c.278A>G, p.Lys93Arg (NM_001318731.2); short protein forms K93R, K198R, K214R.
Identifiers: ClinVar variation 2695077 (VCV002695077.3), dbSNP rs2513878618, ClinGen allele CA403944294.